The following is an entry in ClinVar:

ClinVar aggregate classification (germline): Uncertain significance (1 of 4 stars; one submission).

Conditions:
Gorlin syndrome. Also called: Nevoid Basal Cell Carcinoma Syndrome; Basal cell nevus syndrome. Identifiers: Orphanet 377, MedGen C0004779, MONDO:0007187.
Medulloblastoma (MDB). Also called: Medulloblastoma, somatic; MEDULLOBLASTOMA PREDISPOSITION SYNDROME. Identifiers: Orphanet 616, MedGen C0025149, MeSH D008527, MONDO:0007959, OMIM 155255, HP:0002885.

Submission:

Labcorp Genetics (formerly Invitae), Labcorp
Classification: Uncertain significance for Gorlin syndrome; Medulloblastoma. Last evaluated: 2025-06-03. Review status: criteria provided, single submitter. Criteria: Invitae Variant Classification Sherloc (09022015). Collection method: clinical testing. Allele origin: germline.
Comment: This sequence change replaces glutamine, which is neutral and polar, with arginine, which is basic and polar, at codon 189 of the SUFU protein (p.Gln189Arg). This variant is not present in population databases (gnomAD no frequency). This variant has not been reported in the literature in individuals affected with SUFU-related conditions. ClinVar contains an entry for this variant (Variation ID: 3755598). Invitae Evidence Modeling of protein sequence and biophysical properties (such as structural, functional, and spatial information, amino acid conservation, physicochemical variation, residue mobility, and thermodynamic stability) indicates that this missense variant is not expected to disrupt SUFU protein function with a negative predictive value of 80%. In summary, the available evidence is currently insufficient to determine the role of this variant in disease. Therefore, it has been classified as a Variant of Uncertain Significance.

NM_016169.4(SUFU):c.566A>G (p.Gln189Arg)

Gene: SUFU (SUFU negative regulator of hedgehog signaling; plus strand). Cytogenetic location: 10q24.32.
Variant type: single nucleotide variant.
Coding change: c.566A>G on transcript NM_016169.4 (MANE Select); coding-DNA position 566, A replaced by G.
Protein change: p.Gln189Arg; replaces glutamine 189 with arginine.
Molecular consequence: missense variant.
Genome position (GRCh38, 1-based): chr10:102,592,693, A>G. VCF-style: chr10-102592693-A-G. GRCh37 (hg19) VCF-style: chr10-104352450-A-G.
Other names: c.566A>G, p.Gln189Arg (NM_001178133.2); short protein forms Q189R.
Identifiers: ClinVar variation 3755598 (VCV003755598.2).